The following is an entry in ClinVar:

NM_000388.4(CASR):c.492+10C>T

Gene: CASR (calcium sensing receptor; plus strand). Cytogenetic location: 3q21.1.
Variant type: single nucleotide variant.
Coding change: c.492+10C>T on transcript NM_000388.4 (MANE Select); 10 bases into the intron after coding-DNA position 492, C replaced by T.
Molecular consequence: intron variant.
Genome position (GRCh38, 1-based): chr3:122,257,397, C>T. VCF-style: chr3-122257397-C-T. GRCh37 (hg19) VCF-style: chr3-121976244-C-T.
Other names: c.492+10C>T (NM_001178065.1, NM_001178065.2).
Identifiers: ClinVar variation 463952 (VCV000463952.13), dbSNP rs906977634, ClinGen allele CA82610203.

ClinVar aggregate classification (germline): Likely benign. Review status: criteria provided, multiple submitters, no conflicts (2 of 4 stars). 2 submissions from 2 submitters: Likely benign (2). Last evaluated 2026-04-02.

Conditions:
Familial hypocalciuric hypercalcemia (FHH). Also called: Familial benign hypercalcemia. Identifiers: Orphanet 405, MedGen C1809471, MONDO:0018458.
Autosomal dominant hypocalcemia 1 (HYPOC1). Also called: HYPOCALCEMIA, FAMILIAL. Identifiers: MedGen C3715128, MONDO:0011013, OMIM 601198.
CASR-related disorder. Also called: CASR-related condition.

Allele frequency attached by ClinVar (database versions not stated): gnomAD exomes below 0.00001 and 0.00003; TOPMed 0.00001.
gnomAD v4.1: 43 of 1,608,472 alleles (0.0027%); highest among the groups gnomAD compares: Non-Finnish European, 0.0033%; no homozygotes.

Submissions (2):

PreventionGenetics, part of Exact Sciences
Classification: Likely benign for CASR-related condition. Last evaluated: 2026-04-02. Review status: criteria provided, single submitter. Criteria: ACMG Guidelines, 2015. Collection method: clinical testing. Allele origin: germline.
Comment: This variant is classified as likely benign based on ACMG/AMP sequence variant interpretation guidelines (Richards et al. 2015 PMID: 25741868, with internal and published modifications).

Labcorp Genetics (formerly Invitae), Labcorp
Classification: Likely benign for Familial hypocalciuric hypercalcemia; Autosomal dominant hypocalcemia 1. Last evaluated: 2025-04-03. Review status: criteria provided, single submitter. Criteria: Invitae Variant Classification Sherloc (09022015). Collection method: clinical testing. Allele origin: germline.